The following is an entry in ClinVar:

ClinVar aggregate classification (germline): Uncertain significance. Review status: criteria provided, multiple submitters, no conflicts (2 of 4 stars). 4 submissions from 4 submitters: Uncertain significance (4). Last evaluated 2025-11-13.

Conditions:
ITGA2B-related disorder. Also called: ITGA2B-related condition; ITGA2B-related disorders.
Glanzmann thrombasthenia. Also called: PLATELET GLYCOPROTEIN IIb-IIIa DEFICIENCY; THROMBASTHENIA OF GLANZMANN AND NAEGELI; Thrombasthenia; Glanzmann's thrombasthenia. Identifiers: Orphanet 849, MedGen C0040015, MONDO:0100326.
Inborn genetic diseases. Identifiers: MedGen C0950123, MeSH D030342.

Allele frequency attached by ClinVar (database versions not stated): gnomAD exomes 0.00001; TOPMed 0.00001.

Submissions (4):

PreventionGenetics, part of Exact Sciences
Classification: Uncertain significance for ITGA2B-related condition. Last evaluated: 2025-11-13. Review status: criteria provided, single submitter. Criteria: ACMG Guidelines, 2015. Collection method: clinical testing. Allele origin: germline.
Comment: The ITGA2B c.976G>A variant is predicted to result in the amino acid substitution p.Val326Ile. To our knowledge, this variant has not been reported in the literature. This variant is reported in 0.0058% of alleles in individuals of Latino descent in gnomAD. At this time, the clinical significance of this variant is uncertain due to the absence of conclusive functional and genetic evidence.

Labcorp Genetics (formerly Invitae), Labcorp
Classification: Uncertain significance for Glanzmann thrombasthenia. Last evaluated: 2025-07-07. Review status: criteria provided, single submitter. Criteria: Invitae Variant Classification Sherloc (09022015). Collection method: clinical testing. Allele origin: germline.
Comment: This sequence change replaces valine, which is neutral and non-polar, with isoleucine, which is neutral and non-polar, at codon 326 of the ITGA2B protein (p.Val326Ile). This variant is present in population databases (no rsID available, gnomAD 0.006%). This variant has not been reported in the literature in individuals affected with ITGA2B-related conditions. ClinVar contains an entry for this variant (Variation ID: 1911857). Invitae Evidence Modeling of protein sequence and biophysical properties (such as structural, functional, and spatial information, amino acid conservation, physicochemical variation, residue mobility, and thermodynamic stability) has been performed for this missense variant. However, the output from this modeling did not meet the statistical confidence thresholds required to predict the impact of this variant on ITGA2B protein function. In summary, the available evidence is currently insufficient to determine the role of this variant in disease. Therefore, it has been classified as a Variant of Uncertain Significance.

Ambry Genetics
Classification: Uncertain significance for Inborn genetic diseases. Last evaluated: 2023-02-22. Review status: criteria provided, single submitter. Criteria: Ambry Variant Classification Scheme 2023. Collection method: clinical testing. Allele origin: germline.

Blueprint Genetics
Classification: Uncertain significance. Last evaluated: 2022-04-09. Review status: criteria provided, single submitter. Criteria: ACMG Guidelines, 2015. Collection method: clinical testing. Allele origin: germline.

NM_000419.5(ITGA2B):c.976G>A (p.Val326Ile)

Gene: ITGA2B (integrin subunit alpha 2b; minus strand). Cytogenetic location: 17q21.31.
Variant type: single nucleotide variant.
Coding change: c.976G>A on transcript NM_000419.5 (MANE Select); coding-DNA position 976, G replaced by A.
Protein change: p.Val326Ile; replaces valine 326 with isoleucine.
Molecular consequence: missense variant.
Genome position (GRCh38, 1-based): chr17:44,383,916, C>T on the plus strand (G>A on the coding strand, the complement: ITGA2B is on the minus strand). VCF-style: chr17-44383916-C-T. GRCh37 (hg19) VCF-style: chr17-42461284-C-T.
Other names: c.976G>A (NM_000419.4); short protein forms V326I.
Identifiers: ClinVar variation 1911857 (VCV001911857.9), dbSNP rs1487371557, ClinGen allele CA399804738.
Genomic context (GRCh38, chr17:44,383,916, plus strand): 5'-GACCCAACTGGGTAGGGGTGGGGCATGTCCCTCCTCACCCATCCCCGTTGACGTCAGTGA[C>T]AGCCACTGAATGCCCAAAATACGACGCCATCTGCAAGATGAGGAGCACCATCATTCACGC-3'
Protein context (NP_000410.2, residues 316-336): MASYFGHSVA[Val326Ile]TDVNGDGRHD